The following is an entry in ClinVar:

ClinVar aggregate classification (germline): Likely pathogenic (1 of 4 stars; one submission).

Conditions:
Retinitis pigmentosa 25 (RP25). Identifiers: Orphanet 791, MedGen C1864446, MONDO:0011272, OMIM 602772.

Submission:

Natera, Inc.
Classification: Likely pathogenic for Retinitis pigmentosa type 25. Last evaluated: 2024-04-08. Review status: criteria provided, single submitter. Criteria: Natera Variant Classification Schema (03/2026). Collection method: clinical testing. Allele origin: germline.
Comment: The c.8368delA variant in EYS is a frameshift variant predicted to shift the reading frame beginning at codon 2790 and leads to a stop codon 10 codons downstream. This variant is expected to result in nonsense mediated decay, truncation, or a dysfunctional protein product. This variant is rare in the general population with a frequency below the threshold expected for the associated phenotype(s). Given the available evidence, this variant is classified as Likely Pathogenic.

NM_001142800.2(EYS):c.8368del (p.Arg2790fs)

Genes: EYS (EGF-like photoreceptor maintenance factor; minus strand), PHF3 (PHD finger protein 3; plus strand). Cytogenetic location: 6q12.
Variant type: Deletion.
Coding change: c.8368del on transcript NM_001142800.2 (MANE Select); coding-DNA position 8368, one base deleted (A; older notation c.8368delA).
Protein change: p.Arg2790fs; shifts the reading frame from arginine 2790.
Molecular consequence: frameshift variant. On other transcripts: 3 prime UTR variant (5).
Genome position (GRCh38, 1-based): chr6:63,721,663, T deleted on the plus strand (A on the coding strand, the reverse complement: EYS is on the minus strand); the first of 2 consecutive T bases (chr6:63,721,663-63,721,664); deleting either gives the same sequence. VCF-style (leftmost placement, unchanged base first): chr6-63721662-CT-C. GRCh37 (hg19) VCF-style: chr6-64431558-CT-C.
Other names: c.*7956del (NM_001290259.2, NM_001370348.2, NM_001370349.2 and 2 more transcripts); c.8431del, p.Arg2811fs (NM_001292009.2); short protein forms R2790fs, R2811fs.
Identifiers: ClinVar variation 4814662 (VCV004814662.1).